The following is an entry in ClinVar:

ClinVar aggregate classification (germline): Uncertain significance (1 of 4 stars; one submission).

Submission:

Labcorp Genetics (formerly Invitae), Labcorp
Classification: Uncertain significance. Last evaluated: 2022-03-20. Review status: criteria provided, single submitter. Criteria: Invitae Variant Classification Sherloc (09022015). Collection method: clinical testing. Allele origin: germline.
Comment: This variant has not been reported in the literature in individuals affected with SI-related conditions. This variant is not present in population databases (gnomAD no frequency). This sequence change replaces glycine, which is neutral and non-polar, with valine, which is neutral and non-polar, at codon 1605 of the SI protein (p.Gly1605Val). Algorithms developed to predict the effect of missense changes on protein structure and function are either unavailable or do not agree on the potential impact of this missense change (SIFT: "Tolerated"; PolyPhen-2: "Probably Damaging"; Align-GVGD: "Class C0"). In summary, the available evidence is currently insufficient to determine the role of this variant in disease. Therefore, it has been classified as a Variant of Uncertain Significance.

NM_001041.4(SI):c.4814G>T (p.Gly1605Val)

Gene: SI (sucrase-isomaltase; minus strand). Cytogenetic location: 3q26.1.
Variant type: single nucleotide variant.
Coding change: c.4814G>T on transcript NM_001041.4 (MANE Select); coding-DNA position 4814, G replaced by T.
Protein change: p.Gly1605Val; replaces glycine 1605 with valine.
Molecular consequence: missense variant.
Genome position (GRCh38, 1-based): chr3:164,994,284, C>A on the plus strand (G>T on the coding strand, the complement: SI is on the minus strand). VCF-style: chr3-164994284-C-A. GRCh37 (hg19) VCF-style: chr3-164712072-C-A.
Other names: short protein forms G1605V.
Identifiers: ClinVar variation 2115317 (VCV002115317.4), dbSNP rs2473206032, ClinGen allele CA355028879.